The following is an entry in ClinVar:

ClinVar aggregate classification (germline): Likely pathogenic (1 of 4 stars; one submission).

Conditions:
Leber congenital amaurosis 5 (LCA5). Also called: Amaurosis congenita of Leber, type 5. Identifiers: Orphanet 65, MedGen C1858301, MONDO:0011473, OMIM 604537.

Submission:

Natera, Inc.
Classification: Likely pathogenic for Leber congenital amaurosis type 5. Last evaluated: 2024-10-30. Review status: criteria provided, single submitter. Criteria: Natera Variant Classification Schema (03/2026). Collection method: clinical testing. Allele origin: germline.
Comment: The c.1643del variant in LCA5 is a frameshift variant predicted to shift the reading frame beginning at codon 548 and leads to a stop codon 45 codons downstream. This variant is expected to result in nonsense mediated decay, truncation, or a dysfunctional protein product. This variant is rare in the general population with a frequency below the threshold expected for the associated phenotype(s). Given the available evidence, this variant is classified as Likely Pathogenic.

NM_001122769.3(LCA5):c.1643del (p.Pro548fs)

Gene: LCA5 (lebercilin LCA5; minus strand). Cytogenetic location: 6q14.1.
Variant type: Deletion.
Coding change: c.1643del on transcript NM_001122769.3 (MANE Select); coding-DNA position 1643, one base deleted (C; older notation c.1643delC).
Protein change: p.Pro548fs; shifts the reading frame from proline 548.
Molecular consequence: frameshift variant.
Genome position (GRCh38, 1-based): chr6:79,487,455, G deleted on the plus strand (C on the coding strand, the reverse complement: LCA5 is on the minus strand); the first of 4 consecutive G bases (chr6:79,487,455-79,487,458); deleting any one gives the same sequence. VCF-style (leftmost placement, unchanged base first): chr6-79487454-AG-A. GRCh37 (hg19) VCF-style: chr6-80197171-AG-A.
Other names: c.1643del, p.Pro548fs (NM_181714.4); short protein forms P548fs.
Identifiers: ClinVar variation 4816986 (VCV004816986.1).